The following is an entry in ClinVar:

ClinVar aggregate classification (germline): Uncertain significance (1 of 4 stars; one submission).

gnomAD v4.1: 1 of 1,614,104 alleles (0.000062%); highest among the groups gnomAD compares: Non-Finnish European, 0.000085%; no homozygotes.

Submission:

Labcorp Genetics (formerly Invitae), Labcorp
Classification: Uncertain significance. Last evaluated: 2025-03-13. Review status: criteria provided, single submitter. Criteria: Invitae Variant Classification Sherloc (09022015). Collection method: clinical testing. Allele origin: germline.
Comment: This sequence change replaces glycine, which is neutral and non-polar, with serine, which is neutral and polar, at codon 139 of the BACH2 protein (p.Gly139Ser). This variant is not present in population databases (gnomAD no frequency). This variant has not been reported in the literature in individuals affected with BACH2-related conditions. Invitae Evidence Modeling of protein sequence and biophysical properties (such as structural, functional, and spatial information, amino acid conservation, physicochemical variation, residue mobility, and thermodynamic stability) indicates that this missense variant is not expected to disrupt BACH2 protein function with a negative predictive value of 80%. In summary, the available evidence is currently insufficient to determine the role of this variant in disease. Therefore, it has been classified as a Variant of Uncertain Significance.

NM_021813.4(BACH2):c.415G>A (p.Gly139Ser)

Gene: BACH2 (BACH transcriptional regulator 2; minus strand). Cytogenetic location: 6q15.
Variant type: single nucleotide variant.
Coding change: c.415G>A on transcript NM_021813.4 (MANE Select); coding-DNA position 415, G replaced by A.
Protein change: p.Gly139Ser; replaces glycine 139 with serine.
Molecular consequence: missense variant.
Genome position (GRCh38, 1-based): chr6:89,951,691, C>T on the plus strand (G>A on the coding strand, the complement: BACH2 is on the minus strand). VCF-style: chr6-89951691-C-T. GRCh37 (hg19) VCF-style: chr6-90661410-C-T.
Other names: c.415G>A, p.Gly139Ser (NM_001170794.2); short protein forms G139S.
Identifiers: ClinVar variation 4741530 (VCV004741530.1).
Genomic context (GRCh38, chr6:89,951,691, plus strand): 5'-AGTTCTCGCAGTCCTCGTGTGGGCGCTGGCACGCAGCATCCTTCCGGCACACAAACAGGC[C>T]ATCCTCACTGTTCAGGAGCTGGGTCTGCAGGAAGCTGAAGCAGGAGTCCTCCAGGTTGTG-3'
Protein context (NP_068585.1, residues 129-149): LQTQLLNSED[Gly139Ser]LFVCRKDAAC